The following is an entry in ClinVar:

NM_000257.4(MYH7):c.3091G>C (p.Val1031Leu)

Gene: MYH7 (myosin heavy chain 7; minus strand). Cytogenetic location: 14q11.2.
Variant type: single nucleotide variant.
Coding change: c.3091G>C on transcript NM_000257.4 (MANE Select); coding-DNA position 3091, G replaced by C.
Protein change: p.Val1031Leu; replaces valine 1031 with leucine.
Molecular consequence: missense variant.
Genome position (GRCh38, 1-based): chr14:23,423,555, C>G on the plus strand (G>C on the coding strand, the complement: MYH7 is on the minus strand). VCF-style: chr14-23423555-C-G. GRCh37 (hg19) VCF-style: chr14-23892764-C-G.
Other names: c.3091G>C, p.Val1031Leu (NM_001407004.1); short protein forms V1031L.
Identifiers: ClinVar variation 3069380 (VCV003069380.1), dbSNP rs2502277568, ClinGen allele CA389045647.

ClinVar aggregate classification (germline): Uncertain significance (1 of 4 stars; one submission).

Conditions:
Cardiomyopathy (CMYO). Also called: Cardiomyopathies. Identifiers: Orphanet 167848, MedGen C0878544, MONDO:0004994, HP:0001638. Inheritance: Various modes of inheritance.

Submission:

All of Us Research Program, National Institutes of Health
Classification: Uncertain significance for Cardiomyopathy. Last evaluated: 2023-02-15. Review status: criteria provided, single submitter. Criteria: ACMG Guidelines, 2015. Collection method: clinical testing. Allele origin: germline. Inheritance: Autosomal dominant inheritance. Observed: 1 variant allele, 1 heterozygote.
Comment: This missense variant replaces valine with leucine at codon 1031 of the MYH7 protein. Computational prediction suggests that this variant may not impact protein structure and function (internally defined REVEL score threshold <= 0.5, PMID: 27666373). To our knowledge, functional studies have not been reported for this variant. This variant has not been reported in individuals affected with cardiovascular disorders in the literature. This variant has not been identified in the general population by the Genome Aggregation Database (gnomAD). The available evidence is insufficient to determine the role of this variant in disease conclusively. Therefore, this variant is classified as a Variant of Uncertain Significance.

This study involves interpretation of variants in research participants for the purpose of population health screening. Participant phenotype was not available at the time of variant classification. Additional details can be found in publication PMID: 35346344, PMCID: PMC8962531